The following is an entry in ClinVar:

ClinVar aggregate classification (germline): Likely pathogenic (1 of 4 stars; one submission).

Conditions:
Nemaline myopathy 8 (NEM8). Also called: Nemaline myopathy 8, autosomal recessive. Identifiers: Orphanet 171430, MedGen C3809209, MONDO:0014138, OMIM 615348.

Submission:

Neuberg Centre For Genomic Medicine, NCGM
Classification: Likely pathogenic for Nemaline myopathy 8. Review status: criteria provided, single submitter. Criteria: ACMG Guidelines, 2015. Collection method: clinical testing. Allele origin: germline. Inheritance: Autosomal recessive inheritance. Affected: yes.
Comment: The frame shift c.186del p.Leu63Ter variant in KLHL40 gene has not been reported previously as a pathogenic variant nor as a benign variant, to our knowledge. The p.Leu63Ter variant is novel not in any individuals in gnomAD Exomes and is novel not in any individuals in 1000 Genomes. This variant has not been reported to the ClinVar database. This variant is predicted to cause loss of normal protein function through protein truncation. Loss of function variants have been previously reported to be disease causing. For these reasons, this variant has been classified as Likely Pathogenic.

NM_152393.4(KLHL40):c.186del (p.Phe62_Leu63insTer)

Gene: KLHL40 (kelch like family member 40; plus strand). Cytogenetic location: 3p22.1.
Variant type: Deletion.
Coding change: c.186del on transcript NM_152393.4 (MANE Select); coding-DNA position 186, one base deleted (T; older notation c.186delT).
Protein change: p.Phe62_Leu63insTer.
Molecular consequence: frameshift variant.
Genome position (GRCh38, 1-based): chr3:42,685,804, T deleted; the last of 3 consecutive T bases (chr3:42,685,802-42,685,804); deleting any one gives the same sequence. VCF-style (leftmost placement, unchanged base first): chr3-42685801-CT-C. GRCh37 (hg19) VCF-style: chr3-42727293-CT-C.
Identifiers: ClinVar variation 3236431 (VCV003236431.2), dbSNP rs1220386162, ClinGen allele CA542618136.